The following is an entry in ClinVar:

ClinVar aggregate classification (germline): Conflicting classifications of pathogenicity. Review status: criteria provided, conflicting classifications (1 of 4 stars). 3 submissions from 3 submitters: Uncertain significance (2); Likely benign (1). Last evaluated 2025-11-01.

Conditions:
Hypercholesterolemia, autosomal dominant, type B (FHCL2). Also called: Familial Hypercholesterolemia Type B; APOLIPOPROTEIN B-100, FAMILIAL DEFECTIVE; APOLIPOPROTEIN B-100, FAMILIAL LIGAND-DEFECTIVE; Familial hypercholesterolemia 2; HYPERCHOLESTEROLEMIA, FAMILIAL, DUE TO LIGAND-DEFECTIVE APOLIPOPROTEIN B; Hyperlipoproteinemia Type IIb. Identifiers: MedGen C1704417, MONDO:0007751, OMIM 144010.
Familial hypobetalipoproteinemia 1. Also called: APOB-Related Familial Hypobetalipoproteinemia; Hypobetalipoproteinemia, normotriglyceridemic; Acanthocytosis with hypobetalipoproteinemia. Identifiers: MedGen C4551990, MONDO:0014252, OMIM 615558.

Allele frequency attached by ClinVar (database versions not stated): gnomAD exomes below 0.00001 and 0.00001; ExAC 0.00001; TOPMed 0.00001; gnomAD 0.00002.

Submissions (3):

CeGaT Center for Human Genetics Tuebingen
Classification: Uncertain significance. Last evaluated: 2025-11-01. Review status: criteria provided, single submitter. Criteria: CeGaT Center For Human Genetics Tuebingen Variant Classification Criteria Version 2. Collection method: clinical testing. Allele origin: germline. Affected: yes. Observed: 1 variant allele.
Comment: APOB: PM2, BP4

Labcorp Genetics (formerly Invitae), Labcorp
Classification: Likely benign for Familial hypobetalipoproteinemia 1; Hypercholesterolemia, autosomal dominant, type B. Last evaluated: 2025-11-01. Review status: criteria provided, single submitter. Criteria: Invitae Variant Classification Sherloc (09022015). Collection method: clinical testing. Allele origin: germline.

Quest Diagnostics Nichols Institute San Juan Capistrano
Classification: Uncertain significance. Last evaluated: 2023-06-19. Review status: criteria provided, single submitter. Criteria: Quest Diagnostics criteria. Collection method: clinical testing. Allele origin: unknown.
Comment: To the best of our knowledge, this variant has not been reported in the published literature. The frequency of this variant in the general population, 0.0000071 (2/282220 chromosomes (Genome Aggregation Database)), is uninformative in the assessment of its pathogenicity. Analysis of this variant using bioinformatics tools for the prediction of the effect of amino acid changes on protein structure and function yielded predictions that this variant is benign. Based on the available information, we are unable to determine the clinical significance of this variant.

NM_000384.3(APOB):c.10945G>A (p.Glu3649Lys)

Gene: APOB (apolipoprotein B; minus strand). Cytogenetic location: 2p24.1.
Variant type: single nucleotide variant.
Coding change: c.10945G>A on transcript NM_000384.3 (MANE Select); coding-DNA position 10945, G replaced by A.
Protein change: p.Glu3649Lys; replaces glutamic acid 3649 with lysine.
Molecular consequence: missense variant.
Genome position (GRCh38, 1-based): chr2:21,005,923, C>T on the plus strand (G>A on the coding strand, the complement: APOB is on the minus strand). VCF-style: chr2-21005923-C-T. GRCh37 (hg19) VCF-style: chr2-21228795-C-T.
Other names: short protein forms E3649K.
Identifiers: ClinVar variation 2681853 (VCV002681853.10), dbSNP rs754128155, ClinGen allele CA045228.